The following is an entry in ClinVar:

NM_002474.3(MYH11):c.5713C>T (p.Arg1905Trp)

Genes: NDE1 (nudE neurodevelopment protein 1; plus strand), MYH11 (myosin heavy chain 11; minus strand). Cytogenetic location: 16p13.11.
Variant type: single nucleotide variant.
Coding change: c.5713C>T on transcript NM_002474.3 (MANE Select); coding-DNA position 5713, C replaced by T.
Protein change: p.Arg1905Trp; replaces arginine 1905 with tryptophan.
Molecular consequence: missense variant. On other transcripts: intron variant (2).
Genome position (GRCh38, 1-based): chr16:15,714,982, G>A on the plus strand (C>T on the coding strand, the complement: MYH11 is on the minus strand). VCF-style: chr16-15714982-G-A. GRCh37 (hg19) VCF-style: chr16-15808839-G-A.
Other names: c.5734C>T, p.Arg1912Trp (NM_001040113.2, NM_001040114.2); c.5713C>T, p.Arg1905Trp (NM_022844.3); c.948-9209G>A (NM_001143979.2, NM_017668.3); c.5713C>T (NM_002474.2); short protein forms R1905W, R1912W.
Identifiers: ClinVar variation 629805 (VCV000629805.12), dbSNP rs749422717, ClinGen allele CA7921158.
Genomic context (GRCh38, chr16:15,714,982, plus strand): 5'-TGAGTGCGTTCACCTCGCGGCCCATGGCCTCGTTGCTCTCCGTGGCCTCATCCAGCTCCC[G>A]CTGCAGCTTCCTGCGGTTGGCGTTGATGCGCTGGGACTCCTCCTCTGCCTCCTCCAGCTG-3'
Protein context (NP_002465.1, residues 1895-1915): RINANRRKLQ[Arg1905Trp]ELDEATESNE

ClinVar aggregate classification (germline): Uncertain significance. Review status: criteria provided, multiple submitters, no conflicts (2 of 4 stars). 4 submissions from 4 submitters: Uncertain significance (4). Last evaluated 2024-05-14.

Conditions:
Aortic aneurysm, familial thoracic 4 (AAT4). Also called: AORTIC ANEURYSM/AORTIC DISSECTION AND PATENT DUCTUS ARTERIOSUS. Identifiers: MedGen C1851504, MONDO:0007568, OMIM 132900.
Familial thoracic aortic aneurysm and aortic dissection (TAAD). Also called: Thoracic aortic aneurysms and dissections. Identifiers: Orphanet 91387, MedGen C4707243, MONDO:0019625.

Allele frequency attached by ClinVar (database versions not stated): gnomAD exomes below 0.00001; ExAC 0.00001.
gnomAD v4.1: 3 of 1,613,998 alleles (0.00019%); highest among the groups gnomAD compares: South Asian, 0.0011%; no homozygotes.

Submissions (4):

GeneDx
Classification: Uncertain significance. Last evaluated: 2024-05-14. Review status: criteria provided, single submitter. Criteria: GeneDx Variant Classification Process June 2021. Collection method: clinical testing. Allele origin: germline. Affected: yes.
Comment: Has not been previously published as pathogenic or benign to our knowledge; Not observed at significant frequency in large population cohorts (gnomAD); In silico analysis supports that this missense variant has a deleterious effect on protein structure/function

Color Diagnostics, LLC DBA Color Health
Classification: Uncertain significance for Familial thoracic aortic aneurysm and aortic dissection. Last evaluated: 2024-03-06. Review status: criteria provided, single submitter. Criteria: ACMG Guidelines, 2015. Collection method: clinical testing. Allele origin: germline.
Comment: This missense variant replaces arginine with tryptophan at codon 1912 of the MYH11 protein. Computational prediction suggests that this variant may have deleterious impact on protein structure and function (internally defined REVEL score threshold >= 0.7, PMID: 27666373). To our knowledge, functional studies have not been reported for this variant. This variant has not been reported in individuals affected with MYH11-related disorders in the literature. This variant has been identified in 1/251190 chromosomes in the general population by the Genome Aggregation Database (gnomAD). The available evidence is insufficient to determine the role of this variant in disease conclusively. Therefore, this variant is classified as a Variant of Uncertain Significance.

Labcorp Genetics (formerly Invitae), Labcorp
Classification: Uncertain significance for Aortic aneurysm, familial thoracic 4. Last evaluated: 2023-06-10. Review status: criteria provided, single submitter. Criteria: Invitae Variant Classification Sherloc (09022015). Collection method: clinical testing. Allele origin: germline.
Comment: This variant is present in population databases (rs749422717, gnomAD 0.003%). In summary, the available evidence is currently insufficient to determine the role of this variant in disease. Therefore, it has been classified as a Variant of Uncertain Significance. Advanced modeling of protein sequence and biophysical properties (such as structural, functional, and spatial information, amino acid conservation, physicochemical variation, residue mobility, and thermodynamic stability) has been performed at Invitae for this missense variant, however the output from this modeling did not meet the statistical confidence thresholds required to predict the impact of this variant on MYH11 protein function. ClinVar contains an entry for this variant (Variation ID: 629805). This variant has not been reported in the literature in individuals affected with MYH11-related conditions. This sequence change replaces arginine, which is basic and polar, with tryptophan, which is neutral and slightly polar, at codon 1912 of the MYH11 protein (p.Arg1912Trp).

AiLife Diagnostics
Classification: Uncertain significance. Last evaluated: 2021-11-18. Review status: criteria provided, single submitter. Criteria: ACMG Guidelines, 2015. Collection method: clinical testing. Allele origin: germline. Affected: yes. Observed: 1 variant allele.